The following is an entry in ClinVar:

ClinVar aggregate classification (germline): Likely benign. Review status: criteria provided, multiple submitters, no conflicts (2 of 4 stars). 5 submissions from 5 submitters: Likely benign (5). Last evaluated 2025-09-30.

Conditions:
Inborn genetic diseases. Identifiers: MedGen C0950123, MeSH D030342.
Rubinstein-Taybi syndrome due to CREBBP mutations (RSTS1). Also called: BROAD THUMB-HALLUX SYNDROME; RUBINSTEIN SYNDROME; BROAD THUMBS AND GREAT TOES, CHARACTERISTIC FACIES, AND IMPAIRED INTELLECTUAL DEVELOPMENT; Rubinstein-Taybi syndrome 1; CREBBP-Related Rubinstein-Taybi Syndrome; RUBINSTEIN-TAYBI SYNDROME 1, INCOMPLETE. Identifiers: Orphanet 353277, Orphanet 783, MedGen C4551859, MONDO:0008393, OMIM 180849.
Menke-Hennekam syndrome 1 (MKHK1). Identifiers: MedGen C5193034, MONDO:0020763, OMIM 618332.
Rubinstein-Taybi syndrome (RSTS). Identifiers: Orphanet 783, MedGen C0035934, MONDO:0019188.

Allele frequency attached by ClinVar (database versions not stated): gnomAD 0.00007 and 0.00006; gnomAD exomes 0.00009; TOPMed 0.00009; ESP Exome Variant Server 0.00015; ExAC 0.00017.
gnomAD v4.1: 106 of 1,607,574 alleles (0.0066%); highest among the groups gnomAD compares: South Asian, 0.03%; no homozygotes.

Submissions (5):

Labcorp Genetics (formerly Invitae), Labcorp
Classification: Likely benign for Rubinstein-Taybi syndrome. Last evaluated: 2025-09-30. Review status: criteria provided, single submitter. Criteria: Invitae Variant Classification Sherloc (09022015). Collection method: clinical testing. Allele origin: germline.

CeGaT Center for Human Genetics Tuebingen
Classification: Likely benign. Last evaluated: 2025-02-01. Review status: criteria provided, single submitter. Criteria: CeGaT Center For Human Genetics Tuebingen Variant Classification Criteria Version 2. Collection method: clinical testing. Allele origin: germline. Affected: yes. Observed: 5 variant alleles.
Comment: CREBBP: BP4, BP7

Blueprint Genetics
Classification: Likely benign. Last evaluated: 2024-08-28. Review status: criteria provided, single submitter. Criteria: ACMG Guidelines, 2015. Collection method: clinical testing. Allele origin: germline.

Fulgent Genetics
Classification: Likely benign for Rubinstein-Taybi syndrome due to CREBBP mutations; Menke-Hennekam syndrome 1. Last evaluated: 2022-04-28. Review status: criteria provided, single submitter. Criteria: ACMG Guidelines, 2015. Collection method: clinical testing. Allele origin: unknown.

Ambry Genetics
Classification: Likely benign for Inborn genetic diseases. Last evaluated: 2018-01-19. Review status: criteria provided, single submitter. Criteria: Ambry Variant Classification Scheme 2023. Collection method: clinical testing. Allele origin: germline.

NM_004380.3(CREBBP):c.4956C>T (p.Pro1652=)

Gene: CREBBP (CREB binding lysine acetyltransferase; minus strand). Cytogenetic location: 16p13.3.
Variant type: single nucleotide variant.
Coding change: c.4956C>T on transcript NM_004380.3 (MANE Select); coding-DNA position 4956, C replaced by T.
Protein change: p.Pro1652=; no amino-acid change (proline 1652 retained).
Molecular consequence: synonymous variant.
Genome position (GRCh38, 1-based): chr16:3,731,408, G>A on the plus strand (C>T on the coding strand, the complement: CREBBP is on the minus strand). VCF-style: chr16-3731408-G-A. GRCh37 (hg19) VCF-style: chr16-3781409-G-A.
Other names: c.4842C>T, p.Pro1614= (NM_001079846.1).
Identifiers: ClinVar variation 730765 (VCV000730765.41), dbSNP rs139365408, ClinGen allele CA7869370.
Genomic context (GRCh38, chr16:3,731,408, plus strand): 5'-TCTGGCGAGGGTGAGGAAGGCGTCGCGCCCATCCATGAGGTCACAGCTGAGCAGGGGGTC[G>A]GGGTCGACGATGGGGGGCAGGGTGTTGATGACAGGCCCAGCGTGCAGGTGGATCACGAAG-3'
Protein context (NP_004371.2, residues 1642-1662): VINTLPPIVD[Pro1652=]DPLLSCDLMD